The following is an entry in ClinVar:

ClinVar aggregate classification (germline): Uncertain significance. Review status: criteria provided, multiple submitters, no conflicts (2 of 4 stars). 2 submissions from 2 submitters: Uncertain significance (2). Last evaluated 2022-07-08.

Submissions (2):

GeneDx
Classification: Uncertain significance. Last evaluated: 2022-07-08. Review status: criteria provided, single submitter. Criteria: GeneDx Variant Classification Process June 2021. Collection method: clinical testing. Allele origin: germline. Affected: yes.
Comment: Not observed at significant frequency in large population cohorts (gnomAD); In silico analysis supports that this missense variant does not alter protein structure/function; Has not been previously published as pathogenic or benign to our knowledge; Variants in candidate genes are classified as variants of uncertain significance in accordance with ACMG guidelines (Richards et al., 2015)

Labcorp Genetics (formerly Invitae), Labcorp
Classification: Uncertain significance. Last evaluated: 2021-12-01. Review status: criteria provided, single submitter. Criteria: Invitae Variant Classification Sherloc (09022015). Collection method: clinical testing. Allele origin: germline.
Comment: In summary, the available evidence is currently insufficient to determine the role of this variant in disease. Therefore, it has been classified as a Variant of Uncertain Significance. Algorithms developed to predict the effect of missense changes on protein structure and function are either unavailable or do not agree on the potential impact of this missense change (SIFT: "Tolerated"; PolyPhen-2: "Possibly Damaging"; Align-GVGD: "Class C0"). This variant has not been reported in the literature in individuals affected with AP2M1-related conditions. This variant is not present in population databases (gnomAD no frequency). This sequence change replaces cysteine, which is neutral and slightly polar, with tyrosine, which is neutral and polar, at codon 86 of the AP2M1 protein (p.Cys86Tyr).

NM_004068.4(AP2M1):c.257G>A (p.Cys86Tyr)

Gene: AP2M1 (adaptor related protein complex 2 subunit mu 1; plus strand). Cytogenetic location: 3q27.1.
Variant type: single nucleotide variant.
Coding change: c.257G>A on transcript NM_004068.4 (MANE Select); coding-DNA position 257, G replaced by A.
Protein change: p.Cys86Tyr; replaces cysteine 86 with tyrosine.
Molecular consequence: missense variant.
Genome position (GRCh38, 1-based): chr3:184,179,039, G>A. VCF-style: chr3-184179039-G-A. GRCh37 (hg19) VCF-style: chr3-183896827-G-A.
Other names: c.257G>A (NM_001025205.1); c.257G>A, p.Cys86Tyr (NM_001025205.2); c.332G>A, p.Cys111Tyr (NM_001311198.2); short protein forms C111Y, C86Y.
Identifiers: ClinVar variation 2022991 (VCV002022991.5), dbSNP rs2473719612, ClinGen allele CA355420875.